The following is an entry in ClinVar:

NM_014956.5(CEP164):c.2500A>G (p.Ser834Gly)

Gene: CEP164 (centrosomal protein 164; plus strand). Cytogenetic location: 11q23.3.
Variant type: single nucleotide variant.
Coding change: c.2500A>G on transcript NM_014956.5 (MANE Select); coding-DNA position 2500, A replaced by G.
Protein change: p.Ser834Gly; replaces serine 834 with glycine.
Molecular consequence: missense variant.
Genome position (GRCh38, 1-based): chr11:117,393,010, A>G. VCF-style: chr11-117393010-A-G. GRCh37 (hg19) VCF-style: chr11-117263726-A-G.
Other names: c.2509A>G, p.Ser837Gly (NM_001271933.2, NM_001440949.1); c.2500A>G, p.Ser834Gly (NM_001440950.1, NM_001440951.1, NM_001440953.1); c.2335A>G, p.Ser779Gly (NM_001440952.1, NM_001440968.1, NM_001440969.1); c.2422A>G, p.Ser808Gly (NM_001440954.1, NM_001440955.1, NM_001440958.1 and 1 more transcripts); c.2413A>G, p.Ser805Gly (NM_001440956.1, NM_001440957.1); c.2371A>G, p.Ser791Gly (NM_001440960.1); c.2362A>G, p.Ser788Gly (NM_001440961.1, NM_001440967.1); c.2353A>G, p.Ser785Gly (NM_001440962.1, NM_001440963.1, NM_001440964.1 and 4 more transcripts); and 7 more; short protein forms S764G, S689G, S759G, S781G, S788G, S791G, S805G, S834G.
Identifiers: ClinVar variation 4983399 (VCV004983399.1).

ClinVar aggregate classification (germline): Uncertain significance (1 of 4 stars; one submission).

Conditions:
CEP164-related disorder. Also called: CEP164-related condition.

Submission:

PreventionGenetics, part of Exact Sciences
Classification: Uncertain significance for CEP164-related condition. Last evaluated: 2026-06-03. Review status: criteria provided, single submitter. Criteria: ACMG Guidelines, 2015. Collection method: clinical testing. Allele origin: germline.
Comment: The CEP164 c.2500A>G variant is predicted to result in the amino acid substitution p.Ser834Gly. To our knowledge, this variant has not been reported in association with CEP164-related disease. This variant has not been reported in a large population database (gnomAD), indicating this variant is rare. At this time, the clinical significance of this variant is uncertain due to the absence of conclusive functional and genetic evidence.